The following is an entry in ClinVar:

ClinVar aggregate classification (germline): Conflicting classifications of pathogenicity. Review status: criteria provided, conflicting classifications (1 of 4 stars). 10 submissions from 10 submitters: Likely pathogenic (1); Uncertain significance (8). 1 of the submissions does not count toward it. Last evaluated 2026-09-09.

Conditions:
CEP290-related disorder. Also called: CEP290-related disorders; CEP290-related condition. Identifiers: MedGen CN239314.
Inborn genetic diseases. Identifiers: MedGen C0950123, MeSH D030342.
Leber congenital amaurosis (LCA). Also called: Leber's amaurosis. Identifiers: Orphanet 65, MedGen C0339527, MeSH D057130, MONDO:0018998.
Joubert syndrome. Also called: Familial aplasia of the vermis; JOUBERT-BOLTSHAUSER SYNDROME. Identifiers: Orphanet 475, MedGen C5979921, MONDO:0018772.
Nephronophthisis. Also called: Juvenile Nephronophthisis. Identifiers: Orphanet 655, MedGen C0687120, MONDO:0019005, HP:0000090.
Meckel-Gruber syndrome. Also called: DYSENCEPHALIA SPLANCHNOCYSTICA; GRUBER SYNDROME; Dysencephalia splachnocystica. Identifiers: Orphanet 564, MedGen C0265215, MONDO:0018921.
Retinal dystrophy. Also called: Inherited retinal dystrophy. Identifiers: Orphanet 71862, MedGen C0854723, MeSH D058499, MONDO:0019118, HP:0000556.
Leber congenital amaurosis 10 (LCA10). Identifiers: Orphanet 65, MedGen C1857821, MONDO:0012723, OMIM 611755.
Joubert syndrome 5 (JBTS5). Identifiers: Orphanet 2318, MedGen C1857780, MONDO:0012432, OMIM 610188.
Meckel syndrome, type 4 (MKS4). Also called: MECKEL-GRUBER SYNDROME, TYPE 4. Identifiers: Orphanet 564, MedGen C1970161, MONDO:0012626, OMIM 611134.
Bardet-Biedl syndrome 14 (BBS14). Identifiers: Orphanet 110, MedGen C2673874, MONDO:0014442, OMIM 615991.
Senior-Loken syndrome 6 (SLSN6). Identifiers: Orphanet 3156, MedGen C1857779, MONDO:0012433, OMIM 610189.

Allele frequency attached by ClinVar (database versions not stated): gnomAD exomes 0.00018 and 0.00023; TOPMed 0.00010; gnomAD 0.00006; ESP Exome Variant Server 0.00009; 1000 Genomes Project 30x 0.00016; 1000 Genomes Project 0.00020; ExAC 0.00045.
gnomAD v4.1: 277 of 1,566,132 alleles (0.018%); highest among the groups gnomAD compares: South Asian, 0.14%; 1 homozygote.

Submissions (10):

PreventionGenetics, part of Exact Sciences
Classification: Uncertain significance for CEP290-related condition. Last evaluated: 2026-09-09. Review status: criteria provided, single submitter. Criteria: ACMG Guidelines, 2015. Collection method: clinical testing. Allele origin: germline.
Comment: The CEP290 c.4805C>T variant is predicted to result in the amino acid substitution p.Thr1602Met. This variant has been reported in the compound heterozygous state in a patient with Meckel syndrome (Radhakrishnan et al. 2019. PubMed ID: 31411728) and was also reported in the homozygous state in an individual with limb-girdle muscular dystrophy; however, there was very limited information on this individual's phenotype (Table 3, Best et al. 2022. PubMed ID: 35764379). This variant is reported in 0.13% of alleles in individuals of South Asian descent in gnomAD. At this time, the clinical significance of this variant is uncertain due to the absence of conclusive functional and genetic evidence.

Women's Health and Genetics/Laboratory Corporation of America, LabCorp
Classification: Uncertain significance. Last evaluated: 2026-01-16. Review status: criteria provided, single submitter. Criteria: LabCorp Variant Classification Summary - May 2015. Collection method: clinical testing. Allele origin: germline.
Comment: Variant summary: CEP290 c.4805C>T (p.Thr1602Met) results in a non-conservative amino acid change in the encoded protein sequence. Algorithms developed to predict the effect of missense changes on protein structure and function all suggest that this variant is likely to be disruptive. The variant allele was found at a frequency of 0.00023 in 212408 control chromosomes (gnomAD). This frequency is not significantly higher than estimated for disease-causing variants in CEP290, allowing no conclusion about variant significance. c.4805C>T has been observed in an individual(s) affected with Meckel Syndrome Type 4 (Radhakrishnan_2019). These data do not allow any conclusion about variant significance. To our knowledge, no experimental evidence demonstrating an impact on protein function has been reported. The following publication has been ascertained in the context of this evaluation (PMID: 31411728). ClinVar contains an entry for this variant (Variation ID: 684612). Based on the evidence outlined above, the variant was classified as uncertain significance.

Ambry Genetics
Classification: Uncertain significance for Inborn genetic diseases. Last evaluated: 2025-05-20. Review status: criteria provided, single submitter. Criteria: Ambry Variant Classification Scheme 2023. Collection method: clinical testing. Allele origin: germline.

Blueprint Genetics
Classification: Uncertain significance. Last evaluated: 2024-08-16. Review status: criteria provided, single submitter. Criteria: ACMG Guidelines, 2015. Collection method: clinical testing. Allele origin: germline.

Fulgent Genetics
Classification: Uncertain significance for Joubert syndrome 5; Senior-Loken syndrome 6; Meckel syndrome, type 4; Leber congenital amaurosis 10; Bardet-Biedl syndrome 14. Last evaluated: 2024-04-22. Review status: criteria provided, single submitter. Criteria: ACMG Guidelines, 2015. Collection method: clinical testing. Allele origin: germline.

Dept Of Ophthalmology, Nagoya University
Classification: Uncertain significance for Retinal dystrophy. Last evaluated: 2023-10-01. Review status: criteria provided, single submitter. Criteria: Submitter's publication. Collection method: research. Allele origin: germline. Affected: yes.

Neuberg Centre For Genomic Medicine, NCGM
Classification: Uncertain significance for Bardet-Biedl syndrome 14. Last evaluated: 2023-02-14. Review status: criteria provided, single submitter. Criteria: ACMG Guidelines, 2015. Collection method: clinical testing. Allele origin: germline. Inheritance: Autosomal recessive inheritance. Affected: yes.
Comment: The missense c.4805C>T (p.Thr1602Met) variant in the CEP290 gene has been observed in individual(s) with clinical features of CEP290-related conditions (Radhakrishnan, Periyasamy et al.,2019). This variant is reported with the allele frequency (0.02%) in the gnomAD Exomes and novel in 1000. It is submitted to ClinVar as Likely Pathogenic/ Uncertain Significance. The amino acid Threonine at position 1602 is changed to a Methionine changing protein sequence and it might alter its composition and physico- chemical properties. The variant is predicted as damaging by SIFT. The amino acid change p.Thr1602Met in CEP290 is predicted as conserved by GERP++ and PhyloP across 100 vertebrates. The available evidence is currently insufficient to determine the role of this variant in disease. Therefore, it has been classified as a Variant of Uncertain Significance. In the absence of another reportable variant, the molecular diagnosis is not confirmed.

Labcorp Genetics (formerly Invitae), Labcorp
Classification: Uncertain significance for Joubert syndrome; Meckel-Gruber syndrome; Nephronophthisis. Last evaluated: 2022-10-24. Review status: criteria provided, single submitter. Criteria: Invitae Variant Classification Sherloc (09022015). Collection method: clinical testing. Allele origin: germline.
Comment: This sequence change replaces threonine, which is neutral and polar, with methionine, which is neutral and non-polar, at codon 1602 of the CEP290 protein (p.Thr1602Met). This variant is present in population databases (rs369451049, gnomAD 0.1%). This missense change has been observed in individual(s) with clinical features of CEP290-related conditions (PMID: 31411728). ClinVar contains an entry for this variant (Variation ID: 684612). Advanced modeling of protein sequence and biophysical properties (such as structural, functional, and spatial information, amino acid conservation, physicochemical variation, residue mobility, and thermodynamic stability) performed at Invitae indicates that this missense variant is not expected to disrupt CEP290 protein function. In summary, the available evidence is currently insufficient to determine the role of this variant in disease. Therefore, it has been classified as a Variant of Uncertain Significance.

Kasturba Medical College, Manipal, Kasturba Medical College, Manipal, Manipal Academy of Higher Education, Manipal, India
Classification: Likely pathogenic for Meckel syndrome, type 4. Review status: criteria provided, single submitter. Criteria: ACMG Guidelines, 2015. Collection method: research. Allele origin: paternal. Affected: yes. Observed: 1 heterozygote.

Natera, Inc.
Classification: Uncertain significance for Leber congenital amaurosis. Last evaluated: 2020-01-24. Review status: no assertion criteria provided. Collection method: clinical testing. Allele origin: germline. Not counted in ClinVar's aggregate classification.

Literature cited by the submitters: PubMed 31411728 (cited by 3 submitters); PubMed 35764379 (cited by Ambry Genetics).

NM_025114.4(CEP290):c.4805C>T (p.Thr1602Met)

Gene: CEP290 (centrosomal protein 290; minus strand). Cytogenetic location: 12q21.32.
Variant type: single nucleotide variant.
Coding change: c.4805C>T on transcript NM_025114.4 (MANE Select); coding-DNA position 4805, C replaced by T.
Protein change: p.Thr1602Met; replaces threonine 1602 with methionine.
Molecular consequence: missense variant.
Genome position (GRCh38, 1-based): chr12:88,083,854, G>A on the plus strand (C>T on the coding strand, the complement: CEP290 is on the minus strand). VCF-style: chr12-88083854-G-A. GRCh37 (hg19) VCF-style: chr12-88477631-G-A.
Other names: p.(Thr1602Met); short protein forms T1602M.
Identifiers: ClinVar variation 684612 (VCV000684612.17), dbSNP rs369451049, ClinGen allele CA6711864.